The following is an entry in ClinVar:

ClinVar aggregate classification (germline): Conflicting classifications of pathogenicity. Review status: criteria provided, conflicting classifications (1 of 4 stars). 13 submissions from 13 submitters: Uncertain significance (7); Likely benign (3). 3 of the submissions do not count toward it. Last evaluated 2026-01-28.

Conditions:
NEB-related disorder. Also called: NEB-Related Disorders; NEB-related condition.
Inborn genetic diseases. Identifiers: MedGen C0950123, MeSH D030342.
Nemaline myopathy 2 (NEM2). Also called: Nemaline myopathy 2, autosomal recessive. Identifiers: MedGen C1850569, MONDO:0009725, OMIM 256030.

Allele frequency attached by ClinVar (database versions not stated): 1000 Genomes Project 30x 0.00016; 1000 Genomes Project 0.00020; ExAC 0.00095; gnomAD exomes 0.00110 and 0.00186; TOPMed 0.00128; gnomAD 0.00135 and 0.00140; ESP Exome Variant Server 0.00219.
gnomAD v4.1: 2,924 of 1,612,560 alleles (0.18%); highest among the groups gnomAD compares: Non-Finnish European, 0.23%; 6 homozygotes.

Submissions (13):

Labcorp Genetics (formerly Invitae), Labcorp
Classification: Likely benign for Nemaline myopathy 2. Last evaluated: 2026-01-28. Review status: criteria provided, single submitter. Criteria: Invitae Variant Classification Sherloc (09022015). Collection method: clinical testing. Allele origin: germline.

Ambry Genetics
Classification: Uncertain significance for Inborn genetic diseases. Last evaluated: 2025-10-17. Review status: criteria provided, single submitter. Criteria: Ambry Variant Classification Scheme 2023. Collection method: clinical testing. Allele origin: germline.
Comment: The c.18673C>T (p.P6225S) alteration is located in exon 139 (coding exon 137) of the NEB gene. This alteration results from a C to T substitution at nucleotide position 18673, causing the proline (P) at amino acid position 6225 to be replaced by a serine (S). Based on data from gnomAD, the T allele has an overall frequency of 0.113% (316/280356) total alleles studied. The highest observed frequency was 0.203% (260/128302) of European (non-Finnish) alleles. Based on insufficient or conflicting evidence, the clinical significance of this alteration remains unclear.

GeneDx
Classification: Uncertain significance. Last evaluated: 2025-08-08. Review status: criteria provided, single submitter. Criteria: GeneDx Variant Classification Process June 2021. Collection method: clinical testing. Allele origin: germline. Affected: yes.
Comment: Reported previously in a child with congenital cataracts, ptosis, hypotonia, delay in motor skills, dysphagia, and respiratory failure, who has variants in multiple other genes (PMID: 32420686); In silico analysis supports that this missense variant has a deleterious effect on protein structure/function; This variant is associated with the following publications: (PMID: 32420686)

Blueprint Genetics
Classification: Uncertain significance. Last evaluated: 2024-11-21. Review status: criteria provided, single submitter. Criteria: ACMG Guidelines, 2015. Collection method: clinical testing. Allele origin: germline.

CeGaT Center for Human Genetics Tuebingen
Classification: Likely benign. Last evaluated: 2024-10-01. Review status: criteria provided, single submitter. Criteria: CeGaT Center For Human Genetics Tuebingen Variant Classification Criteria Version 2. Collection method: clinical testing. Allele origin: germline. Affected: yes. Observed: 4 variant alleles.
Comment: NEB: BS1

Athena Diagnostics
Classification: Uncertain significance. Last evaluated: 2024-05-15. Review status: criteria provided, single submitter. Criteria: Athena Diagnostics Criteria. Collection method: clinical testing. Allele origin: unknown.

Mayo Clinic Laboratories, Mayo Clinic
Classification: Uncertain significance. Last evaluated: 2021-12-06. Review status: criteria provided, single submitter. Criteria: ACMG Guidelines, 2015. Collection method: clinical testing. Allele origin: germline.

Illumina Laboratory Services, Illumina
Classification: Uncertain significance for Nemaline myopathy 2. Last evaluated: 2017-04-27. Review status: criteria provided, single submitter. Criteria: ICSL Variant Classification Criteria 13 December 2019. Collection method: clinical testing. Allele origin: germline.

Laboratory for Molecular Medicine, Mass General Brigham Personalized Medicine
Classification: Uncertain significance. Last evaluated: 2015-11-03. Review status: criteria provided, single submitter. Criteria: LMM Criteria. Collection method: clinical testing. Allele origin: germline. Observed: 3 variant alleles.
Comment: Variant classified as Uncertain Significance - Favor Benign. The p.Pro7961Ser va riant in NEB has not been previously reported in individuals with myopathy, but has been identified in 0.15% (97/66646) of European chromosomes by the Exome Agg regation Consortium (ExAC; dbSNP rs193224180). C omputational prediction tools and conservation analysis do not provide strong su pport for or against an impact to the protein. In summary, while the clinical si gnificance of the p.Pro7961Ser variant is uncertain, these data suggest that it is more likely to be benign.

Eurofins Ntd Llc (ga)
Classification: Likely benign. Last evaluated: 2015-03-23. Review status: criteria provided, single submitter. Criteria: EGL Classification Definitions 2015. Collection method: clinical testing. Allele origin: germline. Observed: 2 variant alleles, 2 heterozygotes.

PreventionGenetics, part of Exact Sciences
Classification: Likely benign for NEB-related condition. Last evaluated: 2024-09-23. Review status: no assertion criteria provided. Collection method: clinical testing. Allele origin: germline. Not counted in ClinVar's aggregate classification.
Comment: This variant is classified as likely benign based on ACMG/AMP sequence variant interpretation guidelines (Richards et al. 2015 PMID: 25741868, with internal and published modifications).

Natera, Inc.
Classification: Uncertain significance for Nemaline myopathy type 2. Last evaluated: 2019-11-11. Review status: no assertion criteria provided. Collection method: clinical testing. Allele origin: germline. Not counted in ClinVar's aggregate classification.

Department of Pathology and Laboratory Medicine, Sinai Health System
Classification: Uncertain significance. Review status: no assertion criteria provided. Collection method: clinical testing. Allele origin: unknown. Affected: yes. Study: The Canadian Open Genetics Repository (COGR). Not counted in ClinVar's aggregate classification.
Comment: The NEB p.Pro7926Ser variant was not identified in the literature nor was it identified in Cosmic. The variant was identified in dbSNP (ID: rs193224180), ClinVar (classified as likely benign by EGL Genetics and as a VUS by Laboratory for Molecular Medicine, Partners HealthCare Personalized Medicine and Invitae for nemaline myopathy 2) and LOVD 3.0. The variant was identified in control databases in 316 of 280356 chromosomes at a frequency of 0.001127 increasing the likelihood this could be a low frequency benign variant (Genome Aggregation Database Feb 27, 2017). The variant was observed in the following populations: European (non-Finnish) in 260 of 128302 chromosomes (freq: 0.002026), Latino in 38 of 35298 chromosomes (freq: 0.001077), Other in 6 of 7122 chromosomes (freq: 0.000843), African in 8 of 24192 chromosomes (freq: 0.000331), European (Finnish) in 3 of 25010 chromosomes (freq: 0.00012) and Ashkenazi Jewish in 1 of 10348 chromosomes (freq: 0.000097); it was not observed in the East Asian and South Asian populations. The p.Pro7926 residue is conserved across mammals and other organisms, and four out of five computational analyses (PolyPhen-2, SIFT, BLOSUM, MutationTaster) suggest that the variant may impact the protein; however, this information is not predictive enough to assume pathogenicity. The variant occurs outside of the splicing consensus sequence and 3 of 4 in silico or computational prediction software programs (MaxEntScan, NNSPLICE, GeneSplicer) do not predict a difference in splicing. In summary, based on the above information the clinical significance of this variant cannot be determined with certainty at this time. This variant is classified as a variant of uncertain significance.

Literature cited by the submitters: PubMed 25356899 (cited by Athena Diagnostics); PubMed 32420686 (cited by Athena Diagnostics).

NM_001164508.2(NEB):c.23776C>T (p.Pro7926Ser)

Genes: NEB (nebulin; minus strand), RIF1 (replication timing regulatory factor 1; plus strand). Cytogenetic location: 2q23.3.
Variant type: single nucleotide variant.
Coding change: c.23776C>T on transcript NM_001164508.2 (MANE Select); coding-DNA position 23776, C replaced by T.
Protein change: p.Pro7926Ser; replaces proline 7926 with serine.
Molecular consequence: missense variant.
Genome position (GRCh38, 1-based): chr2:151,503,408, G>A on the plus strand (C>T on the coding strand, the complement: NEB is on the minus strand). VCF-style: chr2-151503408-G-A. GRCh37 (hg19) VCF-style: chr2-152359922-G-A.
Other names: p.Pro6225Ser; c.23776C>T, p.Pro7926Ser (NM_001164507.2); c.23881C>T, p.Pro7961Ser (NM_001271208.2); c.18673C>T, p.Pro6225Ser (NM_004543.5); short protein forms P7961S, P6225S, P7926S.
Identifiers: ClinVar variation 194312 (VCV000194312.76), dbSNP rs193224180, ClinGen allele CA201114.